The following is an entry in ClinVar:

ClinVar aggregate classification (germline): Uncertain significance (1 of 4 stars; one submission).

Conditions:
Leukocyte adhesion deficiency 1 (LAD1). Also called: LAD 1; Lymphocyte function-associated antigen 1 immunodeficiency; LFA 1 immunodeficiency; LEUKOCYTE ADHESION DEFICIENCY, TYPE I. Identifiers: Orphanet 2968, Orphanet 99842, MedGen C0398738, MONDO:0007293, OMIM 116920.

Allele frequency attached by ClinVar (database versions not stated): ExAC 0.00001; gnomAD exomes 0.00001; gnomAD 0.00003; TOPMed 0.00005.
gnomAD v4.1: 20 of 1,612,784 alleles (0.0012%); highest among the groups gnomAD compares: Non-Finnish European, 0.0016%; no homozygotes.

Submission:

Labcorp Genetics (formerly Invitae), Labcorp
Classification: Uncertain significance for Leukocyte adhesion deficiency 1. Last evaluated: 2022-04-30. Review status: criteria provided, single submitter. Criteria: Invitae Variant Classification Sherloc (09022015). Collection method: clinical testing. Allele origin: germline.
Comment: This sequence change replaces arginine, which is basic and polar, with histidine, which is basic and polar, at codon 593 of the ITGB2 protein (p.Arg593His). This variant is present in population databases (rs749255547, gnomAD 0.002%). This variant has not been reported in the literature in individuals affected with ITGB2-related conditions. ClinVar contains an entry for this variant (Variation ID: 966314). Algorithms developed to predict the effect of missense changes on protein structure and function (SIFT, PolyPhen-2, Align-GVGD) all suggest that this variant is likely to be disruptive. This variant disrupts the p.Arg593 amino acid residue in ITGB2. Other variant(s) that disrupt this residue have been determined to be pathogenic (PMID: 1968911, 11703376, 12488604, 25514840). This suggests that this residue is clinically significant, and that variants that disrupt this residue are likely to be disease-causing. In summary, the available evidence is currently insufficient to determine the role of this variant in disease. Therefore, it has been classified as a Variant of Uncertain Significance.

Literature cited by the submitters: PubMed 1968911; PubMed 11703376; PubMed 12488604; PubMed 25514840.

NM_000211.5(ITGB2):c.1778G>A (p.Arg593His)

Gene: ITGB2 (integrin subunit beta 2; minus strand). Cytogenetic location: 21q22.3.
Variant type: single nucleotide variant.
Coding change: c.1778G>A on transcript NM_000211.5 (MANE Select); coding-DNA position 1778, G replaced by A.
Protein change: p.Arg593His; replaces arginine 593 with histidine.
Molecular consequence: missense variant.
Genome position (GRCh38, 1-based): chr21:44,889,375, C>T on the plus strand (G>A on the coding strand, the complement: ITGB2 is on the minus strand). VCF-style: chr21-44889375-C-T. GRCh37 (hg19) VCF-style: chr21-46309290-C-T.
Other names: c.1778G>A, p.Arg593His (NM_001127491.3); c.1571G>A, p.Arg524His (NM_001303238.2); short protein forms R593H, R524H.
Identifiers: ClinVar variation 966314 (VCV000966314.7), dbSNP rs749255547, ClinGen allele CA10062710.
Genomic context (GRCh38, chr21:44,889,375, plus strand): 5'-TGGCACAGAGGCAGCTGGTAGCCTGAATGGCACTCGCATACGTTGCAGCGGCACCGGCCA[C>T]GACCACTACACTCAACACGCCGCGGGTTCAGGCAGCCCTCAGTGGTCCTCTCGCACTGGC-3'
Protein context (NP_000202.3, residues 583-603): LNPRRVECSG[Arg593His]GRCRCNVCEC